The following is an entry in ClinVar:

NM_000548.5(TSC2):c.4786_4788dup (p.Gly1596dup)

Gene: TSC2 (TSC complex subunit 2; plus strand). Cytogenetic location: 16p13.3.
Variant type: Duplication.
Coding change: c.4786_4788dup on transcript NM_000548.5 (MANE Select); coding-DNA positions 4786 to 4788, 3 bases duplicated (GGC; older notation c.4786_4788dupGGC).
Protein change: p.Gly1596dup; duplicates glycine 1596.
Molecular consequence: inframe insertion.
Genome position (GRCh38, 1-based): chr16:2,086,316-2,086,318, GGC duplicated. VCF-style (leftmost placement, unchanged base first): chr16-2086315-A-AGGC. GRCh37 (hg19) VCF-style: chr16-2136316-A-AGGC.
Other names: c.4585_4587dup, p.Gly1529dup (NM_001077183.3); c.4717_4719dup, p.Gly1573dup (NM_001114382.3); c.4477_4479dup, p.Gly1493dup (NM_001318827.2); c.4441_4443dup, p.Gly1481dup (NM_001318829.2); c.4054_4056dup, p.Gly1352dup (NM_001318831.2); c.4618_4620dup, p.Gly1540dup (NM_001318832.2); c.4588_4590dup, p.Gly1530dup (NM_001363528.2); c.4654_4656dup, p.Gly1552dup (NM_001370404.1); and 1 more.
Identifiers: ClinVar variation 1014028 (VCV001014028.9), dbSNP rs2090782530, ClinGen allele CA2202023087.
Genomic context (GRCh38, chr16:2,086,315, plus strand): 5'-GACGGGCCTGGGCCGGCTCATCGAGCTGAAGGACTGCCAGCCGGACAAGGTGTACCTGGG[A>AGGC]GGCCTGGACGTGTGTGGTGAGGACGGCCAGTTCACCTACTGCTGGCACGATGACATCATG-3'

ClinVar aggregate classification (germline): Uncertain significance (1 of 4 stars; one submission).

Conditions:
Tuberous sclerosis 2 (TSC2). Identifiers: Orphanet 805, MedGen C1860707, MONDO:0013199, OMIM 613254.

Submission:

Labcorp Genetics (formerly Invitae), Labcorp
Classification: Uncertain significance for Tuberous sclerosis 2. Last evaluated: 2020-02-10. Review status: criteria provided, single submitter. Criteria: Invitae Variant Classification Sherloc (09022015). Collection method: clinical testing. Allele origin: germline.
Comment: This variant is not present in population databases (ExAC no frequency). This variant has not been reported in the literature in individuals with TSC2-related conditions. In summary, the available evidence is currently insufficient to determine the role of this variant in disease. Therefore, it has been classified as a Variant of Uncertain Significance. Experimental studies and prediction algorithms are not available or were not evaluated, and the functional significance of this variant is currently unknown. This variant, c.4786_4788dup, results in the insertion of 1 amino acid(s) to the TSC2 protein (p.Gly1596dup), but otherwise preserves the integrity of the reading frame.